The following is an entry in ClinVar:

ClinVar aggregate classification (germline): Likely pathogenic (1 of 4 stars; one submission).

Conditions:
Charcot-Marie-Tooth disease type 4A. Also called: Charcot-Marie-Tooth disease, demyelinating, autosomal recessive, type 4a. Identifiers: Orphanet 99948, MedGen C1859198, MONDO:0008961, OMIM 214400.

Allele frequency attached by ClinVar (database versions not stated): gnomAD exomes below 0.00001; TOPMed below 0.00001; ExAC 0.00001.
gnomAD v4.1: 2 of 1,613,832 alleles (0.00012%); highest among the groups gnomAD compares: African/African-American, 0.0013%; no homozygotes.

Submission:

Labcorp Genetics (formerly Invitae), Labcorp
Classification: Likely pathogenic for Charcot-Marie-Tooth disease type 4A. Last evaluated: 2024-02-24. Review status: criteria provided, single submitter. Criteria: Invitae Variant Classification Sherloc (09022015). Collection method: clinical testing. Allele origin: germline.
Comment: This sequence change replaces proline, which is neutral and non-polar, with serine, which is neutral and polar, at codon 66 of the GDAP1 protein (p.Pro66Ser). This variant is present in population databases (rs773136934, gnomAD 0.0009%). This missense change has been observed in individual(s) with clinical features of autosomal recessive GDAP1-related conditions (Invitae). In at least one individual the data is consistent with being in trans (on the opposite chromosome) from a pathogenic variant. ClinVar contains an entry for this variant (Variation ID: 1491416). An algorithm developed to predict the effect of missense changes on protein structure and function (PolyPhen-2) suggests that this variant is likely to be disruptive. In summary, the currently available evidence indicates that the variant is pathogenic, but additional data are needed to prove that conclusively. Therefore, this variant has been classified as Likely Pathogenic.

NM_018972.4(GDAP1):c.196C>T (p.Pro66Ser)

Gene: GDAP1 (ganglioside induced differentiation associated protein 1; plus strand). Cytogenetic location: 8q21.11.
Variant type: single nucleotide variant.
Coding change: c.196C>T on transcript NM_018972.4 (MANE Select); coding-DNA position 196, C replaced by T.
Protein change: p.Pro66Ser; replaces proline 66 with serine.
Molecular consequence: missense variant. On other transcripts: 5 prime UTR variant (1), intron variant (2).
Genome position (GRCh38, 1-based): chr8:74,351,352, C>T. VCF-style: chr8-74351352-C-T. GRCh37 (hg19) VCF-style: chr8-75263587-C-T.
Other names: c.-9C>T (NM_001040875.4); c.196C>T, p.Pro66Ser (NM_001362930.2, NM_001362931.2); c.-18+31C>T (NM_001362929.2); c.-18+774C>T (NM_001362932.2); short protein forms P66S.
Identifiers: ClinVar variation 1491416 (VCV001491416.8), dbSNP rs773136934, ClinGen allele CA4785053.